The following is an entry in ClinVar:

NM_002485.5(NBN):c.-37G>A

Gene: NBN (nibrin; minus strand). Cytogenetic location: 8q21.3.
Variant type: single nucleotide variant.
Coding change: c.-37G>A on transcript NM_002485.5 (MANE Select); 37 bases upstream of the start codon, G replaced by A.
Molecular consequence: 5 prime UTR variant.
Genome position (GRCh38, 1-based): chr8:89,984,598, C>T on the plus strand (G>A on the coding strand, the complement: NBN is on the minus strand). VCF-style: chr8-89984598-C-T. GRCh37 (hg19) VCF-style: chr8-90996826-C-T.
Other names: c.-333G>A (NM_001024688.3).
Identifiers: ClinVar variation 378229 (VCV000378229.2), dbSNP rs543890002, ClinGen allele CA4803131.
Genomic context (GRCh38, chr8:89,984,598, plus strand): 5'-CGCGGCGGGCAGCAGTTTCCACATCGGTCCGGCTCCTCAGGGCTGGGGCCGACGTGCAAC[C>T]GCGTAACCGGGGCTGCTAGACGAGCGCGGATACGGCGCCTGCGGTCGGCATGGGCTCCGG-3'

ClinVar aggregate classification (germline): Benign. Review status: criteria provided, multiple submitters, no conflicts (2 of 4 stars). 2 submissions from 2 submitters: Benign (2). Last evaluated 2025-02-01.

Conditions:
Microcephaly, normal intelligence and immunodeficiency (NBS). Also called: BERLIN BREAKAGE SYNDROME; SEEMANOVA SYNDROME II; Nijmegen breakage syndrome; IMMUNODEFICIENCY, MICROCEPHALY, AND CHROMOSOMAL INSTABILITY; Immunodeficiency, microcephaly with normal intelligence; Microcephaly with normal intelligence immunodeficiency and lymphoreticular malignancies. Identifiers: Orphanet 647, MedGen C0398791, MONDO:0009623, OMIM 251260.

Allele frequency attached by ClinVar (database versions not stated): TOPMed 0.00006.
gnomAD v4.1: 26 of 1,611,096 alleles (0.0016%); highest among the groups gnomAD compares: African/African-American, 0.02%; no homozygotes.

Submissions (2):

KCCC/NGS Laboratory, Kuwait Cancer Control Center
Classification: Benign for Microcephaly, normal intelligence and immunodeficiency. Last evaluated: 2025-02-01. Review status: criteria provided, single submitter. Criteria: ACMG Guidelines, 2015. Collection method: clinical testing. Allele origin: germline. Affected: no.

GeneDx
Classification: Benign. Last evaluated: 2015-07-23. Review status: criteria provided, single submitter. Criteria: GeneDx Variant Classification (06012015). Collection method: clinical testing. Allele origin: germline. Affected: yes.
Comment: This variant is considered likely benign or benign based on one or more of the following criteria: it is a conservative change, it occurs at a poorly conserved position in the protein, it is predicted to be benign by multiple in silico algorithms, and/or has population frequency not consistent with disease.